The following is an entry in ClinVar:

NM_001386140.1(MTTP):c.2237G>A (p.Gly746Glu)

Gene: MTTP (microsomal triglyceride transfer protein; plus strand). Cytogenetic location: 4q23.
Variant type: single nucleotide variant.
Coding change: c.2237G>A on transcript NM_001386140.1 (MANE Select); coding-DNA position 2237, G replaced by A.
Protein change: p.Gly746Glu; replaces glycine 746 with glutamic acid.
Molecular consequence: missense variant.
Genome position (GRCh38, 1-based): chr4:99,618,993, G>A. VCF-style: chr4-99618993-G-A. GRCh37 (hg19) VCF-style: chr4-100540150-G-A.
Other names: c.2237G>A, p.Gly746Glu (NM_000253.4); c.1988G>A, p.Gly663Glu (NM_001300785.2); short protein forms G746E, G663E.
Identifiers: ClinVar variation 627620 (VCV000627620.8), dbSNP rs767833468, ClinGen allele CA3022325.

ClinVar aggregate classification (germline): Likely pathogenic. Review status: criteria provided, single submitter (1 of 4 stars). 2 submissions from 2 submitters: Likely pathogenic (1). 1 of the submissions does not count toward it. Last evaluated 2022-08-30.

Conditions:
Abetalipoproteinaemia (ABL). Also called: MTP DEFICIENCY; Abetalipoproteinemia; Abetalipoproteinemia neuropathy; Apolipoprotein B deficiency; Congenital betalipoprotein deficiency syndrome. Identifiers: Orphanet 14, MedGen C0000744, MONDO:0008692, OMIM 200100, HP:0008181.

Allele frequency attached by ClinVar (database versions not stated): gnomAD exomes below 0.00001; ExAC 0.00001.
gnomAD v4.1: 2 of 1,612,792 alleles (0.00012%); highest among the groups gnomAD compares: Non-Finnish European, 0.00017%; no homozygotes.

Submissions (2):

Labcorp Genetics (formerly Invitae), Labcorp
Classification: Likely pathogenic. Last evaluated: 2022-08-30. Review status: criteria provided, single submitter. Criteria: Invitae Variant Classification Sherloc (09022015). Collection method: clinical testing. Allele origin: germline.
Comment: This missense change has been observed in individual(s) with abetalipoproteinemia (PMID: 10679949, 20592474). In at least one individual the data is consistent with being in trans (on the opposite chromosome) from a pathogenic variant. This variant is present in population databases (rs767833468, gnomAD 0.0009%). This sequence change replaces glycine, which is neutral and non-polar, with glutamic acid, which is acidic and polar, at codon 746 of the MTTP protein (p.Gly746Glu). ClinVar contains an entry for this variant (Variation ID: 627620). In summary, the currently available evidence indicates that the variant is pathogenic, but additional data are needed to prove that conclusively. Therefore, this variant has been classified as Likely Pathogenic. Experimental studies have shown that this missense change affects MTTP function (PMID: 23475612). Algorithms developed to predict the effect of missense changes on protein structure and function are either unavailable or do not agree on the potential impact of this missense change (SIFT: "Deleterious"; PolyPhen-2: "Probably Damaging"; Align-GVGD: "Class C0").

GeneReviews
No classification provided. Condition: Abetalipoproteinaemia. Review status: no classification provided. Collection method: literature only. Allele origin: germline. Not counted in ClinVar's aggregate classification.

Literature cited by the submitters: PubMed 10679949 (cited by Labcorp Genetics (formerly Invitae), Labcorp); PubMed 20592474 (cited by Labcorp Genetics (formerly Invitae), Labcorp); PubMed 23475612 (cited by Labcorp Genetics (formerly Invitae), Labcorp and GeneReviews); NCBI Bookshelf NBK00000 (cited by GeneReviews).